The following is an entry in ClinVar:

ClinVar aggregate classification (germline): Uncertain significance. Review status: criteria provided, multiple submitters, no conflicts (2 of 4 stars). 3 submissions from 3 submitters: Uncertain significance (3). Last evaluated 2025-05-24.

Conditions:
Hereditary cancer-predisposing syndrome. Also called: Neoplastic Syndromes, Hereditary; Tumor predisposition; Hereditary neoplastic syndrome; Hereditary Cancer Syndrome. Identifiers: Orphanet 140162, MedGen C0027672, MeSH D009386, MONDO:0015356.
Neuroblastoma, susceptibility to, 3. Also called: ALK-Related Neuroblastic Tumor Susceptibility. Identifiers: Orphanet 635, MedGen C2751681, MONDO:0013083, OMIM 613014.

Allele frequency attached by ClinVar (database versions not stated): TOPMed 0.00001.

Submissions (3):

Ambry Genetics
Classification: Uncertain significance for Hereditary cancer-predisposing syndrome. Last evaluated: 2025-05-24. Review status: criteria provided, single submitter. Criteria: Ambry Variant Classification Scheme 2023. Collection method: clinical testing. Allele origin: germline.
Comment: The p.V1411A variant (also known as c.4232T>C), located in coding exon 29 of the ALK gene, results from a T to C substitution at nucleotide position 4232. The valine at codon 1411 is replaced by alanine, an amino acid with similar properties. This amino acid position is conserved. In addition, the in silico prediction for this alteration is inconclusive. Based on the available evidence, the clinical significance of this variant remains unclear.

Labcorp Genetics (formerly Invitae), Labcorp
Classification: Uncertain significance for Neuroblastoma, susceptibility to, 3. Last evaluated: 2025-03-24. Review status: criteria provided, single submitter. Criteria: Invitae Variant Classification Sherloc (09022015). Collection method: clinical testing. Allele origin: germline.
Comment: This sequence change replaces valine, which is neutral and non-polar, with alanine, which is neutral and non-polar, at codon 1411 of the ALK protein (p.Val1411Ala). This variant is not present in population databases (gnomAD no frequency). This variant has not been reported in the literature in individuals affected with ALK-related conditions. ClinVar contains an entry for this variant (Variation ID: 239834). An algorithm developed to predict the effect of missense changes on protein structure and function (PolyPhen-2) suggests that this variant is likely to be disruptive. In summary, the available evidence is currently insufficient to determine the role of this variant in disease. Therefore, it has been classified as a Variant of Uncertain Significance.

Baylor Genetics
Classification: Uncertain significance for Neuroblastoma, susceptibility to, 3. Last evaluated: 2023-12-01. Review status: criteria provided, single submitter. Criteria: ACMG Guidelines, 2015. Collection method: clinical testing. Allele origin: unknown.

NM_004304.5(ALK):c.4232T>C (p.Val1411Ala)

Gene: ALK (ALK receptor tyrosine kinase; minus strand). Cytogenetic location: 2p23.2.
Variant type: single nucleotide variant.
Coding change: c.4232T>C on transcript NM_004304.5 (MANE Select); coding-DNA position 4232, T replaced by C.
Protein change: p.Val1411Ala; replaces valine 1411 with alanine.
Molecular consequence: missense variant.
Genome position (GRCh38, 1-based): chr2:29,193,855, A>G on the plus strand (T>C on the coding strand, the complement: ALK is on the minus strand). VCF-style: chr2-29193855-A-G. GRCh37 (hg19) VCF-style: chr2-29416721-A-G.
Other names: c.1028T>C, p.Val343Ala (NM_001353765.2); short protein forms V1411A, V343A.
Identifiers: ClinVar variation 239834 (VCV000239834.12), dbSNP rs878854657, ClinGen allele CA10581959.